The following is an entry in ClinVar:

ClinVar aggregate classification (germline): Uncertain significance (1 of 4 stars; one submission).

Conditions:
Werner syndrome (WRN). Identifiers: Orphanet 902, MedGen C0043119, MONDO:0010196, OMIM 277700.

Allele frequency attached by ClinVar (database versions not stated): gnomAD exomes below 0.00001.
gnomAD v4.1: 1 of 1,613,694 alleles (0.000062%); highest among the groups gnomAD compares: Non-Finnish European, 0.000085%; no homozygotes.

Submission:

Labcorp Genetics (formerly Invitae), Labcorp
Classification: Uncertain significance for Werner syndrome. Last evaluated: 2022-10-23. Review status: criteria provided, single submitter. Criteria: Invitae Variant Classification Sherloc (09022015). Collection method: clinical testing. Allele origin: germline.
Comment: In summary, the available evidence is currently insufficient to determine the role of this variant in disease. Therefore, it has been classified as a Variant of Uncertain Significance. Algorithms developed to predict the effect of missense changes on protein structure and function are either unavailable or do not agree on the potential impact of this missense change (SIFT: "Not Available"; PolyPhen-2: "Probably Damaging"; Align-GVGD: "Not Available"). This variant has not been reported in the literature in individuals affected with WRN-related conditions. This variant is not present in population databases (gnomAD no frequency). This sequence change replaces cysteine, which is neutral and slightly polar, with tyrosine, which is neutral and polar, at codon 171 of the WRN protein (p.Cys171Tyr).

NM_000553.6(WRN):c.512G>A (p.Cys171Tyr)

Gene: WRN (WRN RecQ like helicase; plus strand). Cytogenetic location: 8p12.
Variant type: single nucleotide variant.
Coding change: c.512G>A on transcript NM_000553.6 (MANE Select); coding-DNA position 512, G replaced by A.
Protein change: p.Cys171Tyr; replaces cysteine 171 with tyrosine.
Molecular consequence: missense variant.
Genome position (GRCh38, 1-based): chr8:31,067,040, G>A. VCF-style: chr8-31067040-G-A. GRCh37 (hg19) VCF-style: chr8-30924556-G-A.
Other names: short protein forms C171Y.
Identifiers: ClinVar variation 1722063 (VCV001722063.5), dbSNP rs2535886956, ClinGen allele CA370915832.